The following is an entry in ClinVar:

ClinVar aggregate classification (germline): Pathogenic/Likely pathogenic. Review status: criteria provided, multiple submitters, no conflicts (2 of 4 stars). 3 submissions from 3 submitters: Pathogenic (1); Likely pathogenic (1). 1 of the submissions does not count toward it. Last evaluated 2025-04-27.

Conditions:
Marfan syndrome (MFS). Also called: Marfan syndrome, classic; Marfan syndrome type 1; Marfan's syndrome; MARFAN SYNDROME, TYPE I; FBN1-Related Marfan Syndrome. Identifiers: Orphanet 284963, Orphanet 558, MedGen C0024796, MONDO:0007947, OMIM 154700.
Familial thoracic aortic aneurysm and aortic dissection (TAAD). Also called: Thoracic aortic aneurysms and dissections. Identifiers: Orphanet 91387, MedGen C4707243, MONDO:0019625.

Allele frequency attached by ClinVar (database versions not stated): gnomAD exomes below 0.00001.
gnomAD v4.1: 1 of 1,613,972 alleles (0.000062%); highest among the groups gnomAD compares: Non-Finnish European, 0.000085%; no homozygotes.

Submissions (3):

Labcorp Genetics (formerly Invitae), Labcorp
Classification: Pathogenic for Marfan syndrome; Familial thoracic aortic aneurysm and aortic dissection. Last evaluated: 2025-04-27. Review status: criteria provided, single submitter. Criteria: Invitae Variant Classification Sherloc (09022015). Collection method: clinical testing. Allele origin: germline.
Comment: This sequence change replaces cysteine, which is neutral and slightly polar, with tyrosine, which is neutral and polar, at codon 494 of the FBN1 protein (p.Cys494Tyr). This variant is not present in population databases (gnomAD no frequency). This missense change has been observed in individual(s) with Marfan syndrome, or aortic disease (PMID: 24501682, 27611364, 28973303). ClinVar contains an entry for this variant (Variation ID: 381612). Invitae Evidence Modeling of protein sequence and biophysical properties (such as structural, functional, and spatial information, amino acid conservation, physicochemical variation, residue mobility, and thermodynamic stability) indicates that this missense variant is expected to disrupt FBN1 protein function with a positive predictive value of 95%. This variant affects a cysteine residue in the EGF-like, TGFBP or hybrid motif domains of FBN1. Cysteine residues are believed to be involved in intramolecular disulfide bridges and have been shown to be important for FBN1 protein structure (PMID: 16905551, 19349279). In addition, missense substitutions affecting cysteine residues within these domains are significantly overrepresented among patients with Marfan syndrome (PMID: 16571647, 17701892). This variant disrupts the p.Cys494 amino acid residue in FBN1. Other variant(s) that disrupt this residue have been observed in individuals with FBN1-related conditions (internal data), which suggests that this may be a clinically significant amino acid residue. For these reasons, this variant has been classified as Pathogenic.

GeneDx
Classification: Likely pathogenic. Last evaluated: 2019-07-09. Review status: criteria provided, single submitter. Criteria: GeneDx Variant Classification Process June 2021. Collection method: clinical testing. Allele origin: germline. Affected: yes.
Comment: Published in association with Marfan syndrome and non-syndromic aortopathy (McInernery-Leo et al., 2013; Yang et al., 2016; Tan et al., 2017; Li et al., 2018); Not observed in large population cohorts (Lek et al., 2016); In silico analysis, which includes protein predictors and evolutionary conservation, supports a deleterious effect; Affects a cysteine residue within a calcium-binding EGF-like domain of the FBN1 gene, which may affect disulfide bonding and is predicted to alter the structure and function of the protein; cysteine substitutions in the calcium-binding EGF-like domains represent the majority of pathogenic missense changes associated with FBN1-related disorders (Collod-Beroud et al., 2003); This variant is associated with the following publications: (PMID: 28973303, 27611364, 24501682, 30341550)

Center for Medical Genetics Ghent, University of Ghent
Classification: Likely pathogenic for Marfan syndrome. Last evaluated: 2017-11-07. Review status: no assertion criteria provided. Collection method: clinical testing. Allele origin: germline. Affected: yes. Not counted in ClinVar's aggregate classification.

Literature cited by the submitters: PubMed 24501682 (cited by Labcorp Genetics (formerly Invitae), Labcorp); PubMed 27611364 (cited by Labcorp Genetics (formerly Invitae), Labcorp); PubMed 28973303 (cited by Labcorp Genetics (formerly Invitae), Labcorp); PubMed 16905551 (cited by Labcorp Genetics (formerly Invitae), Labcorp); PubMed 19349279 (cited by Labcorp Genetics (formerly Invitae), Labcorp); PubMed 16571647 (cited by Labcorp Genetics (formerly Invitae), Labcorp); PubMed 17701892 (cited by Labcorp Genetics (formerly Invitae), Labcorp).

NM_000138.5(FBN1):c.1481G>A (p.Cys494Tyr)

Gene: FBN1 (fibrillin 1; minus strand). Cytogenetic location: 15q21.1.
Variant type: single nucleotide variant.
Coding change: c.1481G>A on transcript NM_000138.5 (MANE Select); coding-DNA position 1481, G replaced by A.
Protein change: p.Cys494Tyr; replaces cysteine 494 with tyrosine.
Molecular consequence: missense variant.
Genome position (GRCh38, 1-based): chr15:48,513,656, C>T on the plus strand (G>A on the coding strand, the complement: FBN1 is on the minus strand). VCF-style: chr15-48513656-C-T. GRCh37 (hg19) VCF-style: chr15-48805853-C-T.
Other names: short protein forms C494Y.
Identifiers: ClinVar variation 381612 (VCV000381612.14), dbSNP rs1057518881, ClinGen allele CA16606737.